The following is an entry in ClinVar:

NM_001035.3(RYR2):c.5270T>C (p.Leu1757Pro)

Gene: RYR2 (ryanodine receptor 2; plus strand). Cytogenetic location: 1q43.
Variant type: single nucleotide variant.
Coding change: c.5270T>C on transcript NM_001035.3 (MANE Select); coding-DNA position 5270, T replaced by C.
Protein change: p.Leu1757Pro; replaces leucine 1757 with proline.
Molecular consequence: missense variant.
Genome position (GRCh38, 1-based): chr1:237,614,398, T>C. VCF-style: chr1-237614398-T-C. GRCh37 (hg19) VCF-style: chr1-237777698-T-C.
Other names: short protein forms L1757P.
Identifiers: ClinVar variation 2091978 (VCV002091978.4), dbSNP rs2546793679, ClinGen allele CA345404666.

ClinVar aggregate classification (germline): Uncertain significance (1 of 4 stars; one submission).

Conditions:
Catecholaminergic polymorphic ventricular tachycardia 1. Also called: RYR2-Related Catecholaminergic Polymorphic Ventricular Tachycardia; VENTRICULAR TACHYCARDIA, STRESS-INDUCED POLYMORPHIC 1; VENTRICULAR TACHYCARDIA, CATECHOLAMINERGIC POLYMORPHIC, 1, WITH OR WITHOUT ATRIAL DYSFUNCTION AND/OR DILATED CARDIOMYOPATHY. Identifiers: Orphanet 3286, MedGen C1631597, MONDO:0011484, OMIM 604772.

Submission:

Labcorp Genetics (formerly Invitae), Labcorp
Classification: Uncertain significance for Catecholaminergic polymorphic ventricular tachycardia 1. Last evaluated: 2022-02-22. Review status: criteria provided, single submitter. Criteria: Invitae Variant Classification Sherloc (09022015). Collection method: clinical testing. Allele origin: germline.
Comment: In summary, the available evidence is currently insufficient to determine the role of this variant in disease. Therefore, it has been classified as a Variant of Uncertain Significance. Advanced modeling of protein sequence and biophysical properties (such as structural, functional, and spatial information, amino acid conservation, physicochemical variation, residue mobility, and thermodynamic stability) performed at Invitae indicates that this missense variant is expected to disrupt RYR2 protein function. This variant has not been reported in the literature in individuals affected with RYR2-related conditions. This variant is not present in population databases (gnomAD no frequency). This sequence change replaces leucine, which is neutral and non-polar, with proline, which is neutral and non-polar, at codon 1757 of the RYR2 protein (p.Leu1757Pro).